The following is an entry in ClinVar:

ClinVar aggregate classification (germline): Uncertain significance. Review status: criteria provided, multiple submitters, no conflicts (2 of 4 stars). 2 submissions from 2 submitters: Uncertain significance (2). Last evaluated 2024-03-07.

Allele frequency attached by ClinVar (database versions not stated): TOPMed below 0.00001; gnomAD exomes 0.00006; ExAC 0.00014.
gnomAD v4.1: 34 of 1,613,360 alleles (0.0021%); highest among the groups gnomAD compares: Non-Finnish European, 0.0018%; no homozygotes.

Submissions (2):

Blueprint Genetics
Classification: Uncertain significance. Last evaluated: 2024-03-07. Review status: criteria provided, single submitter. Criteria: ACMG Guidelines, 2015. Collection method: clinical testing. Allele origin: germline.

Labcorp Genetics (formerly Invitae), Labcorp
Classification: Uncertain significance. Last evaluated: 2021-09-24. Review status: criteria provided, single submitter. Criteria: Invitae Variant Classification Sherloc (09022015). Collection method: clinical testing. Allele origin: germline.
Comment: This sequence change affects codon 884 of the ABCA4 mRNA. It is a 'silent' change, meaning that it does not change the encoded amino acid sequence of the ABCA4 protein. This variant is present in population databases (rs200186333, ExAC 0.02%). This variant has not been reported in the literature in individuals with ABCA4-related conditions. Algorithms developed to predict the effect of sequence changes on RNA splicing suggest that this variant may create or strengthen a splice site, but this prediction has not been confirmed by published transcriptional studies. In summary, the available evidence is currently insufficient to determine the role of this variant in disease. Therefore, it has been classified as a Variant of Uncertain Significance.

NM_000350.3(ABCA4):c.2652A>G (p.Glu884=)

Gene: ABCA4 (ATP binding cassette subfamily A member 4; minus strand). Cytogenetic location: 1p22.1.
Variant type: single nucleotide variant.
Coding change: c.2652A>G on transcript NM_000350.3 (MANE Select); coding-DNA position 2652, A replaced by G.
Protein change: p.Glu884=; no amino-acid change (glutamic acid 884 retained).
Molecular consequence: synonymous variant.
Genome position (GRCh38, 1-based): chr1:94,051,634, T>C on the plus strand (A>G on the coding strand, the complement: ABCA4 is on the minus strand). VCF-style: chr1-94051634-T-C. GRCh37 (hg19) VCF-style: chr1-94517190-T-C.
Other names: c.2430A>G, p.Glu810= (NM_001425324.1).
Identifiers: ClinVar variation 1430267 (VCV001430267.6), dbSNP rs200186333, ClinGen allele CA958211.